The following is an entry in ClinVar:

ClinVar aggregate classification (germline): Uncertain significance. Review status: criteria provided, multiple submitters, no conflicts (2 of 4 stars). 2 submissions from 2 submitters: Uncertain significance (2). Last evaluated 2026-02-11.

Conditions:
DDX41-related hematologic malignancy predisposition syndrome. Also called: DDX41-Associated Familial Myelodysplastic Syndrome and Acute Myeloid Leukemia; Myeloproliferative/lymphoproliferative neoplasms, familial (multiple types), susceptibility to. Identifiers: Orphanet 488647, MedGen C4225174, MONDO:0014809, OMIM 616871.
Inborn genetic diseases. Identifiers: MedGen C0950123, MeSH D030342.

Submissions (2):

St. Jude Molecular Pathology, St. Jude Children's Research Hospital
Classification: Uncertain significance for DDX41-related hematologic malignancy predisposition syndrome. Last evaluated: 2026-02-11. Review status: criteria provided, single submitter. Criteria: St. Jude Assertion Criteria 2020. Collection method: clinical testing. Allele origin: germline.
Comment: The DDX41 c.980T>G p.(Leu327Trp) missense change is absent in gnomAD v2.1.1. The in silico tool REVEL is inconclusive ab out a pathogenic or benign effect of this variant on protein function, and to our knowledge functional studies have not been performed. To our knowledge, this variant has not been reported in individuals with DDX41-associated familial myeloproliferative/ lymphoproliferative neoplasms. In summary, the evidence currently available is insufficient to determine the clinical significance of this variant. It has therefore been classified as of uncertain significance.

Ambry Genetics
Classification: Uncertain significance for Inborn genetic diseases. Last evaluated: 2025-01-23. Review status: criteria provided, single submitter. Criteria: Ambry Variant Classification Scheme 2023. Collection method: clinical testing. Allele origin: germline.
Comment: The p.L327W variant (also known as c.980T>G), located in coding exon 10 of the DDX41 gene, results from a T to G substitution at nucleotide position 980. The leucine at codon 327 is replaced by tryptophan, an amino acid with similar properties. This amino acid position is conserved. In addition, the in silico prediction for this alteration is inconclusive. Based on the available evidence, the clinical significance of this variant remains unclear.

NM_016222.4(DDX41):c.980T>G (p.Leu327Trp)

Gene: DDX41 (DEAD-box helicase 41; minus strand). Cytogenetic location: 5q35.3.
Variant type: single nucleotide variant.
Coding change: c.980T>G on transcript NM_016222.4 (MANE Select); coding-DNA position 980, T replaced by G.
Protein change: p.Leu327Trp; replaces leucine 327 with tryptophan.
Molecular consequence: missense variant.
Genome position (GRCh38, 1-based): chr5:177,513,803, A>C on the plus strand (T>G on the coding strand, the complement: DDX41 is on the minus strand). VCF-style: chr5-177513803-A-C. GRCh37 (hg19) VCF-style: chr5-176940804-A-C.
Other names: c.602T>G, p.Leu201Trp (NM_001321732.2, NM_001321830.2); short protein forms L201W, L327W.
Identifiers: ClinVar variation 3839012 (VCV003839012.2).